The following is an entry in ClinVar:

ClinVar aggregate classification (germline): Uncertain significance (1 of 4 stars; one submission).

Conditions:
Hereditary cancer-predisposing syndrome. Also called: Neoplastic Syndromes, Hereditary; Hereditary Cancer Syndrome; Tumor predisposition; Hereditary neoplastic syndrome. Identifiers: Orphanet 140162, MedGen C0027672, MeSH D009386, MONDO:0015356.

Submission:

Ambry Genetics
Classification: Uncertain significance for Hereditary cancer-predisposing syndrome. Last evaluated: 2025-02-27. Review status: criteria provided, single submitter. Criteria: Ambry Variant Classification Scheme 2023. Collection method: clinical testing. Allele origin: germline.
Comment: The p.S825I variant (also known as c.2474G>T), located in coding exon 15 of the PTCH1 gene, results from a G to T substitution at nucleotide position 2474. The serine at codon 825 is replaced by isoleucine, an amino acid with dissimilar properties. This amino acid position is conserved. In addition, the in silico prediction for this alteration is inconclusive. Based on the available evidence, the clinical significance of this variant remains unclear.

NM_000264.5(PTCH1):c.2474G>T (p.Ser825Ile)

Genes: PTCH1 (patched 1; minus strand), LOC100507346 (uncharacterized LOC100507346; plus strand). Cytogenetic location: 9q22.32.
Variant type: single nucleotide variant.
Coding change: c.2474G>T on transcript NM_000264.5 (MANE Select); coding-DNA position 2474, G replaced by T.
Protein change: p.Ser825Ile; replaces serine 825 with isoleucine.
Molecular consequence: missense variant. On other transcripts: non-coding transcript variant (2).
Genome position (GRCh38, 1-based): chr9:95,467,202, C>A on the plus strand (G>T on the coding strand, the complement: PTCH1 is on the minus strand). VCF-style: chr9-95467202-C-A. GRCh37 (hg19) VCF-style: chr9-98229484-C-A.
Other names: c.2276G>T, p.Ser759Ile (NM_001083602.3); c.2471G>T, p.Ser824Ile (NM_001083603.3); c.2021G>T, p.Ser674Ile (NM_001083604.3, NM_001083605.3, NM_001083606.3 and 1 more transcripts); c.2318G>T, p.Ser773Ile (NM_001354918.2); short protein forms S759I, S674I, S773I, S824I, S825I.
Identifiers: ClinVar variation 3784673 (VCV003784673.1).